The following is an entry in ClinVar:

NM_006767.4(LZTR1):c.37G>T (p.Ala13Ser)

Genes: LZTR1 (leucine zipper like post translational regulator 1; plus strand), LOC130067016 (ATAC-STARR-seq lymphoblastoid silent region 13504; plus strand). Cytogenetic location: 22q11.21.
Variant type: single nucleotide variant.
Coding change: c.37G>T on transcript NM_006767.4 (MANE Select); coding-DNA position 37, G replaced by T.
Protein change: p.Ala13Ser; replaces alanine 13 with serine.
Molecular consequence: missense variant.
Genome position (GRCh38, 1-based): chr22:20,982,408, G>T. VCF-style: chr22-20982408-G-T. GRCh37 (hg19) VCF-style: chr22-21336697-G-T.
Other names: short protein forms A13S.
Identifiers: ClinVar variation 4859416 (VCV004859416.1).
Genomic context (GRCh38, chr22:20,982,408, plus strand): 5'-CGGCCGATCCGGCGTGGACCCGGGATGGCTGGACCGGGCAGCACGGGGGGGCAGATCGGG[G>T]CTGCGGCCCTGGCAGGCGGCGCGCGGTCCAAGGTAGCCCCGAGCGTGGACTTCGACCATA-3'
Protein context (NP_006758.2, residues 3-23): GPGSTGGQIG[Ala13Ser]AALAGGARSK

ClinVar aggregate classification (germline): Uncertain significance (1 of 4 stars; one submission).

Conditions:
Cardiovascular phenotype. Identifiers: MedGen CN230736.
Hereditary cancer-predisposing syndrome. Also called: Neoplastic Syndromes, Hereditary; Tumor predisposition; Hereditary Cancer Syndrome; Hereditary neoplastic syndrome. Identifiers: Orphanet 140162, MedGen C0027672, MeSH D009386, MONDO:0015356.

gnomAD v4.1: 5 of 1,566,692 alleles (0.00032%); highest among the groups gnomAD compares: African/African-American, 0.0013%; no homozygotes.

Submission:

Ambry Genetics
Classification: Uncertain significance for Cardiovascular phenotype; Hereditary cancer-predisposing syndrome. Last evaluated: 2026-05-21. Review status: criteria provided, single submitter. Criteria: Ambry Variant Classification Scheme 2023. Collection method: clinical testing. Allele origin: germline.
Comment: The p.A13S variant (also known as c.37G>T), located in coding exon 1 of the LZTR1 gene, results from a G to T substitution at nucleotide position 37. The alanine at codon 13 is replaced by serine, an amino acid with similar properties. This amino acid position is conserved. In addition, this alteration is predicted to be tolerated by in silico analysis. Based on the available evidence, the clinical significance of this variant remains unclear.